The following is an entry in ClinVar:

ClinVar aggregate classification (germline): Likely benign (1 of 4 stars; one submission).

Conditions:
CCNP-related disorder. Also called: CCNP-related condition.

Submission:

PreventionGenetics, part of Exact Sciences
Classification: Likely benign for CCNP-related condition. Last evaluated: 2025-08-27. Review status: criteria provided, single submitter. Criteria: ACMG Guidelines, 2015. Collection method: clinical testing. Allele origin: germline.
Comment: This variant is classified as likely benign based on ACMG/AMP sequence variant interpretation guidelines (Richards et al. 2015 PMID: 25741868, with internal and published modifications).

NM_024877.4(CCNP):c.55A>C (p.Arg19=)

Gene: CCNP (cyclin P; minus strand). Cytogenetic location: 19q13.2.
Variant type: single nucleotide variant.
Coding change: c.55A>C on transcript NM_024877.4 (MANE Select); coding-DNA position 55, A replaced by C.
Protein change: p.Arg19=; no amino-acid change (arginine 19 retained).
Molecular consequence: synonymous variant.
Genome position (GRCh38, 1-based): chr19:40,226,587, T>G on the plus strand (A>C on the coding strand, the complement: CCNP is on the minus strand). VCF-style: chr19-40226587-T-G. GRCh37 (hg19) VCF-style: chr19-40732494-T-G.
Other names: c.55A>C, p.Arg19= (NM_001411133.1).
Identifiers: ClinVar variation 4981631 (VCV004981631.1).